The following is an entry in ClinVar:

NM_001100.4(ACTA1):c.142G>A (p.Gly48Ser)

Gene: ACTA1 (actin alpha 1, skeletal muscle; minus strand). Cytogenetic location: 1q42.13.
Variant type: single nucleotide variant.
Coding change: c.142G>A on transcript NM_001100.4 (MANE Select); coding-DNA position 142, G replaced by A.
Protein change: p.Gly48Ser; replaces glycine 48 with serine.
Molecular consequence: missense variant.
Genome position (GRCh38, 1-based): chr1:229,432,868, C>T on the plus strand (G>A on the coding strand, the complement: ACTA1 is on the minus strand). VCF-style: chr1-229432868-C-T. GRCh37 (hg19) VCF-style: chr1-229568615-C-T.
Other names: short protein forms G48S.
Identifiers: ClinVar variation 196311 (VCV000196311.16), dbSNP rs794727488, ClinGen allele CA243213.
Genomic context (GRCh38, chr1:229,432,868, plus strand): 5'-TCAGGATACCTCTCTTGCTCTGAGCCTCGTCGCCCACGTAGGAATCTTTCTGACCCATAC[C>T]GACCATGACGCCCTGCAGAGCCGAGACACCACGCACCCGTTAACGCCGCTCCGGGTGGCA-3'
Protein context (NP_001091.1, residues 38-58): GRPRHQGVMV[Gly48Ser]MGQKDSYVGD

ClinVar aggregate classification (germline): Pathogenic/Likely pathogenic. Review status: criteria provided, multiple submitters, no conflicts (2 of 4 stars). 3 submissions from 3 submitters: Pathogenic (1); Likely pathogenic (2). Last evaluated 2025-10-02.

Conditions:
Actin accumulation myopathy (CMYO2A). Also called: Nemaline myopathy type 3; Myopathy, actin, congenital, with excess of thin myofilaments; CONGENITAL MYOPATHY 2A, TYPICAL, AUTOSOMAL DOMINANT; Myopathy, actin, congenital, with cores; Nemaline myopathy 3, with intranuclear rods. Identifiers: Orphanet 98904, MedGen C3711389, MONDO:0008070, OMIM 161800.

Submissions (3):

Labcorp Genetics (formerly Invitae), Labcorp
Classification: Pathogenic for Actin accumulation myopathy. Last evaluated: 2025-10-02. Review status: criteria provided, single submitter. Criteria: Invitae Variant Classification Sherloc (09022015). Collection method: clinical testing. Allele origin: germline.
Comment: This sequence change replaces glycine, which is neutral and non-polar, with serine, which is neutral and polar, at codon 48 of the ACTA1 protein (p.Gly48Ser). This variant is not present in population databases (gnomAD no frequency). This missense change has been observed in individual(s) with congenital myopathy (PMID: 26172852; internal data). In at least one individual the variant was observed to be de novo. ClinVar contains an entry for this variant (Variation ID: 196311). Invitae Evidence Modeling of protein sequence and biophysical properties (such as structural, functional, and spatial information, amino acid conservation, physicochemical variation, residue mobility, and thermodynamic stability) indicates that this missense variant is not expected to disrupt ACTA1 protein function with a negative predictive value of 80%. This variant disrupts the p.Gly48 amino acid residue in ACTA1. Other variant(s) that disrupt this residue have been determined to be pathogenic (PMID: 19562689, 24642510, 25470062). This suggests that this residue is clinically significant, and that variants that disrupt this residue are likely to be disease-causing. For these reasons, this variant has been classified as Pathogenic.

Eurofins Ntd Llc (ga)
Classification: Likely pathogenic. Last evaluated: 2018-08-19. Review status: criteria provided, single submitter. Criteria: EGL ClinVar v180209 classification definitions. Collection method: clinical testing. Allele origin: germline. Observed: 1 variant allele, 1 heterozygote.

GeneDx
Classification: Likely pathogenic. Last evaluated: 2016-05-24. Review status: criteria provided, single submitter. Criteria: GeneDx Variant Classification (06012015). Collection method: clinical testing. Allele origin: germline. Affected: yes.
Comment: The G48S variant was previously reported as a de novo variant in a patient with congenital myopathy and type I fiber predominance on muscle histology (Witting et al., 2016). It was not observed in approximately 6,500 individuals of European and African American ancestry in the NHLBI Exome Sequencing Project, indicating it is not a common benign variant in these populations. The G48S variant is a non-conservative amino acid substitution, which is likely to impact secondary protein structure as these residues differ in polarity, charge, size and/or other properties. This substitution occurs at a position that is conserved across species, and multiple missense variants at the same and in nearby residues have been reported in the Human Gene Mutation Database in association with ACTA1-related disorders (Stenson et al., 2014), supporting the functional importance of this region of the protein. However, in silico analysis is inconsistent in its predictions as to whether or not the variant is damaging to the protein structure/function. Therefore, this variant is likely pathogenic; however, the possibility that it is benign cannot be excluded.

Literature cited by the submitters: PubMed 26172852 (cited by Labcorp Genetics (formerly Invitae), Labcorp); PubMed 19562689 (cited by Labcorp Genetics (formerly Invitae), Labcorp); PubMed 24642510 (cited by Labcorp Genetics (formerly Invitae), Labcorp); PubMed 25470062 (cited by Labcorp Genetics (formerly Invitae), Labcorp).